The following is an entry in ClinVar:

NM_198129.4(LAMA3):c.3171T>C (p.Tyr1057=)

Gene: LAMA3 (laminin subunit alpha 3; plus strand). Cytogenetic location: 18q11.2.
Variant type: single nucleotide variant.
Coding change: c.3171T>C on transcript NM_198129.4 (MANE Select); coding-DNA position 3171, T replaced by C.
Protein change: p.Tyr1057=; no amino-acid change (tyrosine 1057 retained).
Molecular consequence: synonymous variant.
Genome position (GRCh38, 1-based): chr18:23,838,858, T>C. VCF-style: chr18-23838858-T-C. GRCh37 (hg19) VCF-style: chr18-21418822-T-C.
Other names: c.3171T>C, p.Tyr1057= (NM_001127717.4).
Identifiers: ClinVar variation 730236 (VCV000730236.36), dbSNP rs142574930, ClinGen allele CA8915166.

ClinVar aggregate classification (germline): Benign/Likely benign. Review status: criteria provided, multiple submitters, no conflicts (2 of 4 stars). 5 submissions from 5 submitters: Benign (2); Likely benign (3). Last evaluated 2026-09-09.

Conditions:
LAMA3-related disorder. Also called: LAMA3-related disorders; LAMA3-related condition.

Allele frequency attached by ClinVar (database versions not stated): ExAC 0.00071; 1000 Genomes Project 30x 0.00141; gnomAD 0.00026 and 0.00009; TOPMed 0.00028; gnomAD exomes 0.00053 and 0.00039; 1000 Genomes Project 0.00140.
gnomAD v4.1: 607 of 1,606,730 alleles (0.038%); highest among the groups gnomAD compares: East Asian, 1.1%; 3 homozygotes.

Submissions (5):

PreventionGenetics, part of Exact Sciences
Classification: Likely benign for LAMA3-related condition. Last evaluated: 2026-09-09. Review status: criteria provided, single submitter. Criteria: ACMG Guidelines, 2015. Collection method: clinical testing. Allele origin: germline.
Comment: This variant is classified as likely benign based on ACMG/AMP sequence variant interpretation guidelines (Richards et al. 2015 PMID: 25741868, with internal and published modifications).

Blueprint Genetics
Classification: Likely benign. Last evaluated: 2024-11-18. Review status: criteria provided, single submitter. Criteria: ACMG Guidelines, 2015. Collection method: clinical testing. Allele origin: germline.

CeGaT Center for Human Genetics Tuebingen
Classification: Likely benign. Last evaluated: 2023-10-01. Review status: criteria provided, single submitter. Criteria: CeGaT Center For Human Genetics Tuebingen Variant Classification Criteria Version 2. Collection method: clinical testing. Allele origin: germline. Affected: yes. Observed: 1 variant allele.
Comment: LAMA3: BP4, BP7

Labcorp Genetics (formerly Invitae), Labcorp
Classification: Benign. Last evaluated: 2022-11-29. Review status: criteria provided, single submitter. Criteria: Invitae Variant Classification Sherloc (09022015). Collection method: clinical testing. Allele origin: germline.

Breakthrough Genomics
Classification: Benign. Review status: criteria provided, single submitter. Criteria: ACMG Guidelines, 2015. Collection method: not provided. Allele origin: germline. Inheritance: Autosomal recessive inheritance. Affected: yes.